The following is an entry in ClinVar:

NM_007294.4(BRCA1):c.974A>C (p.Lys325Thr)

Gene: BRCA1 (BRCA1 DNA repair associated; minus strand). Cytogenetic location: 17q21.31.
Variant type: single nucleotide variant.
Coding change: c.974A>C on transcript NM_007294.4 (MANE Select); coding-DNA position 974, A replaced by C.
Protein change: p.Lys325Thr; replaces lysine 325 with threonine.
Molecular consequence: missense variant. On other transcripts: intron variant (137).
Genome position (GRCh38, 1-based): chr17:43,094,557, T>G on the plus strand (A>C on the coding strand, the complement: BRCA1 is on the minus strand). VCF-style: chr17-43094557-T-G. GRCh37 (hg19) VCF-style: chr17-41246574-T-G.
Other names: c.764A>C, p.Lys255Thr (NM_001407884.1, NM_001407885.1, NM_001407886.1 and 13 more transcripts); c.761A>C, p.Lys254Thr (NM_001407894.1, NM_001407895.1, NM_001407896.1 and 9 more transcripts); c.851A>C, p.Lys284Thr (NM_001407919.1, NM_001407648.1, NM_001407664.1 and 19 more transcripts); c.710A>C, p.Lys237Thr (NM_001407920.1, NM_001407921.1, NM_001407922.1 and 9 more transcripts); c.974A>C, p.Lys325Thr (NM_001407581.1, NM_001407582.1, NM_001407583.1 and 30 more transcripts); c.971A>C, p.Lys324Thr (NM_001407587.1, NM_001407590.1, NM_001407591.1 and 22 more transcripts); c.965A>C, p.Lys322Thr (NM_001407646.1, NM_001407647.1); c.848A>C, p.Lys283Thr (NM_001407649.1, NM_001407670.1, NM_001407671.1 and 11 more transcripts); and 40 more; short protein forms K325T, K278T, K198T, K258T, K277T, K284T, K298T, K322T.
Identifiers: ClinVar variation 948091 (VCV000948091.13), dbSNP rs2054013870, ClinGen allele CA10600114.

ClinVar aggregate classification (germline): Conflicting classifications of pathogenicity. Review status: criteria provided, conflicting classifications (1 of 4 stars). 2 submissions from 2 submitters: Uncertain significance (1); Likely benign (1). Last evaluated 2023-03-23.

Conditions:
Hereditary cancer-predisposing syndrome. Also called: Hereditary neoplastic syndrome; Neoplastic Syndromes, Hereditary; Tumor predisposition; Hereditary Cancer Syndrome. Identifiers: Orphanet 140162, MedGen C0027672, MeSH D009386, MONDO:0015356.
Hereditary breast ovarian cancer syndrome. Also called: Hereditary breast and/or ovarian cancer syndrome; Hereditary breast and ovarian cancer syndrome; Hereditary breast and ovarian cancer syndrome (HBOC); Breast and ovarian cancer; BRCA1- and BRCA2-Associated Hereditary Breast and Ovarian Cancer; Hereditary breast and ovarian cancer. Identifiers: Orphanet 145, MedGen C0677776, MeSH D061325, MONDO:0003582. Disease mechanism: loss of function.

Submissions (2):

University of Washington Department of Laboratory Medicine, University of Washington
Classification: Likely benign for Hereditary cancer-predisposing syndrome. Last evaluated: 2023-03-23. Review status: criteria provided, single submitter. Criteria: Dines et al. (Genet Med. 2020). Collection method: curation. Allele origin: germline.
Comment: Missense variant in a coldspot region where missense variants are very unlikely to be pathogenic (PMID:31911673).

BRCA1 coldspot (exon 11 using historical exon numbering). Reclassification based on statistical prior probability

Labcorp Genetics (formerly Invitae), Labcorp
Classification: Uncertain significance for Hereditary breast ovarian cancer syndrome. Last evaluated: 2019-06-18. Review status: criteria provided, single submitter. Criteria: Invitae Variant Classification Sherloc (09022015). Collection method: clinical testing. Allele origin: germline.
Comment: In summary, the available evidence is currently insufficient to determine the role of this variant in disease. Therefore, it has been classified as a Variant of Uncertain Significance. Algorithms developed to predict the effect of missense changes on protein structure and function are either unavailable or do not agree on the potential impact of this missense change (SIFT: "Deleterious"; PolyPhen-2: "Benign"; Align-GVGD: "Class C0"). This variant has not been reported in the literature in individuals with BRCA1-related conditions. This variant is not present in population databases (ExAC no frequency). This sequence change replaces lysine with threonine at codon 325 of the BRCA1 protein (p.Lys325Thr). The lysine residue is highly conserved and there is a moderate physicochemical difference between lysine and threonine.